The following is an entry in ClinVar:

NM_033305.3(VPS13A):c.8341dup (p.Ser2781fs)

Gene: VPS13A (vacuolar protein sorting 13 homolog A; plus strand). Cytogenetic location: 9q21.2.
Variant type: Duplication.
Coding change: c.8341dup on transcript NM_033305.3 (MANE Select); coding-DNA position 8341, one base duplicated (T; older notation c.8341dupT).
Protein change: p.Ser2781fs; shifts the reading frame from serine 2781.
Molecular consequence: frameshift variant.
Genome position (GRCh38, 1-based): chr9:77,366,742, T duplicated; the last of 3 consecutive T bases (chr9:77,366,740-77,366,742); duplicating any one gives the same sequence. VCF-style (leftmost placement, unchanged base first): chr9-77366739-G-GT. GRCh37 (hg19) VCF-style: chr9-79981655-G-GT.
Other names: c.8224dup, p.Ser2742fs (NM_001018037.2); c.8341dup, p.Ser2781fs (NM_001018038.3, NM_015186.4); short protein forms S2742fs, S2781fs.
Identifiers: ClinVar variation 1420233 (VCV001420233.6), dbSNP rs2131580177, ClinGen allele CA2573144678.

ClinVar aggregate classification (germline): Pathogenic (1 of 4 stars; one submission).

Submission:

Labcorp Genetics (formerly Invitae), Labcorp
Classification: Pathogenic. Last evaluated: 2021-08-16. Review status: criteria provided, single submitter. Criteria: Invitae Variant Classification Sherloc (09022015). Collection method: clinical testing. Allele origin: germline.
Comment: For these reasons, this variant has been classified as Pathogenic. This variant has not been reported in the literature in individuals affected with VPS13A-related conditions. This variant is not present in population databases (ExAC no frequency). This sequence change creates a premature translational stop signal (p.Ser2781Phefs*10) in the VPS13A gene. It is expected to result in an absent or disrupted protein product. Loss-of-function variants in VPS13A are known to be pathogenic (PMID: 12404112, 21598378).

Literature cited by the submitters: PubMed 12404112; PubMed 21598378.